The following is an entry in ClinVar:

ClinVar aggregate classification (germline): Pathogenic/Likely pathogenic. Review status: criteria provided, multiple submitters, no conflicts (2 of 4 stars). 3 submissions from 3 submitters: Pathogenic (1); Likely pathogenic (1). 1 of the submissions does not count toward it. Last evaluated 2024-04-16.

Conditions:
Cardiovascular phenotype. Identifiers: MedGen CN230736.
Dilated cardiomyopathy 1G (CMD1G). Identifiers: Orphanet 154, MedGen C1858763, MONDO:0011400, OMIM 604145.
Autosomal recessive limb-girdle muscular dystrophy type 2J (LGMDR10). Also called: Limb-girdle muscular dystrophy, type 2J; MUSCULAR DYSTROPHY, LIMB-GIRDLE, AUTOSOMAL RECESSIVE 10. Identifiers: Orphanet 140922, MedGen C1837342, MONDO:0012127, OMIM 608807.
Tip-toe gait. Also called: Toe walking. Identifiers: MedGen C0427144, HP:0030051.

Allele frequency attached by ClinVar (database versions not stated): gnomAD exomes below 0.00001.
gnomAD v4.1: 1 of 1,613,510 alleles (0.000062%); highest among the groups gnomAD compares: Non-Finnish European, 0.000085%; no homozygotes.

Submissions (3):

Ambry Genetics
Classification: Pathogenic for Cardiovascular phenotype. Last evaluated: 2024-04-16. Review status: criteria provided, single submitter. Criteria: Ambry Variant Classification Scheme 2023. Collection method: clinical testing. Allele origin: germline.
Comment: The p.W16260* pathogenic mutation (also known as c.48779G>A), located in coding exon 153 of the TTN gene, results from a G to A substitution at nucleotide position 48779. This changes the amino acid from a tryptophan to a stop codon within coding exon 153. This exon is located in the A-band region of the N2-B isoform of the titin protein and is constitutively expressed in TTN transcripts (percent spliced in or PSI 100%). This variant has been observed in at least one individual with a personal and/or family history that is consistent with dilated cardiomyopathy (Ambry internal data). This variant is considered to be rare based on population cohorts in the Genome Aggregation Database (gnomAD). This alteration is expected to result in loss of function by premature protein truncation or nonsense-mediated mRNA decay. While truncating variants in TTN are present in 1-3% of the general population, truncating variants in the A-band are the most common cause of dilated cardiomyopathy (DCM) (Herman DS et al. N. Engl. J. Med., 2012 Feb;366:619-28; Roberts AM et al. Sci Transl Med, 2015 Jan;7:270ra6). TTN truncating variants encoded in constitutive exons (PSI >90%) have been found to be significantly associated with DCM regardless of their position in titin (Schafer S et al. Nat. Genet., 2017 01;49:46-53). Based on the supporting evidence, this variant is interpreted as a disease-causing mutation.

Labcorp Genetics (formerly Invitae), Labcorp
Classification: Likely pathogenic for Dilated cardiomyopathy 1G; Autosomal recessive limb-girdle muscular dystrophy type 2J. Last evaluated: 2018-08-05. Review status: criteria provided, single submitter. Criteria: Invitae Variant Classification Sherloc (09022015). Collection method: clinical testing. Allele origin: germline.
Comment: In summary, the currently available evidence indicates that the variant is pathogenic, but additional data are needed to prove that conclusively. Therefore, this variant has been classified as Likely Pathogenic. This variant is located in the A band of TTN (PMID: 25589632). Truncating variants in this region are significantly overrepresented in patients affected with dilated cardiomyopathy (PMID: 25589632). Truncating variants in this region have also been reported in individuals affected with autosomal recessive centronuclear myopathy (PMID: 23975875). Algorithms developed to predict the effect of sequence changes on RNA splicing suggest that this variant may create or strengthen a splice site, but this prediction has not been confirmed by published transcriptional studies. This variant has not been reported in the literature in individuals with TTN-related disease. ClinVar contains an entry for this variant (Variation ID: 518953). This variant is not present in population databases (ExAC no frequency). This sequence change results in a premature translational stop signal in the TTN gene (p.Trp25325*). While this is not anticipated to result in nonsense mediated decay, it is expected to create a truncated TTN protein.

Practice for Gait Abnormalities, David Pomarino, Competency Network Toe Walking C/o Practice Pomarino
Classification: Likely pathogenic for Tip-toe gait. Last evaluated: 2021-06-16. Review status: flagged submission. Collection method: clinical testing. Allele origin: germline. Affected: yes. Not counted in ClinVar's aggregate classification.
Comment: Myopathy refers to diseases that affect skeletal Muscles. These diseases attack muscle fibers, making muscles weak. Inherited myopathies are often caused by inheriting an abnormal gene mutation from a parent that causes the disease. Symptoms of congenital myopathies usually start at birth or in early childhood, but may not appear until the teen years or even later in adulthood. Congenital myopathies are somewhat unique compared with other inherited myopathies, as weakness typically affects all muscles and is often not progressive. Symptoms are: Muscle weakness, most commonly of upper arms and shoulders and thighs, muscle cramps, stiffness and spasms, fatigue with exertion and lack of energy. Our patients all walk on tiptoe, so they show similar symptoms. When we genetically test them with our toe walking panel, we find that around 90 per cent of them have a genetic variant that explains their toe walking. These can be assigned, for example, to the area of myopathies (such as variants of the COL6A3 gene), the area of hereditary neuropathies (such as variants of the KMT2C gene) or the area of metabolic diseases (such as variants of the PYGM gene). In a smaller group of patients with almost identical symptoms, no abnormality is found in the genes of our panel, but spastic paraplegia can be detected. In another small group of our toe walkers, no abnormalities can be detected in the genes analysed in our toe walking panel, nor do they suffer from spastic paraplegia, as is also the case with healthy children. In contrast to these, however, they show a tiptoe gait. These patients suffer from infantile cerebral palsy, in which toe walking can also be observed.
ClinVar note: Notes: This gene has insufficient supporting evidence for isolated Tip-Toe Gait.
ClinVar note: Reason: Claim with insufficient supporting evidence

Literature cited by the submitters: PubMed 25589632 (cited by Labcorp Genetics (formerly Invitae), Labcorp); PubMed 23975875 (cited by Labcorp Genetics (formerly Invitae), Labcorp); PubMed 37091313 (cited by Practice for Gait Abnormalities, David Pomarino, Competency Network Toe Walking C/o Practice Pomarino).

NM_001267550.2(TTN):c.75974G>A (p.Trp25325Ter)

Genes: TTN-AS1 (TTN antisense RNA 1; plus strand), TTN (titin; minus strand). Cytogenetic location: 2q31.2.
Variant type: single nucleotide variant.
Coding change: c.75974G>A on transcript NM_001267550.2 (MANE Select); coding-DNA position 75974, G replaced by A.
Protein change: p.Trp25325Ter; replaces tryptophan 25325 with a stop codon.
Molecular consequence: nonsense.
Genome position (GRCh38, 1-based): chr2:178,570,158, C>T on the plus strand (G>A on the coding strand, the complement: TTN is on the minus strand). VCF-style: chr2-178570158-C-T. GRCh37 (hg19) VCF-style: chr2-179434885-C-T.
Other names: c.71051G>A, p.Trp23684Ter (NM_001256850.1); c.48779G>A, p.Trp16260Ter (NM_003319.4); c.68270G>A, p.Trp22757Ter (NM_133378.4); c.49154G>A, p.Trp16385Ter (NM_133432.3); c.49355G>A, p.Trp16452Ter (NM_133437.4); short protein forms W16260*, W25325*, W23684*, W22757*, W16452*, W16385*.
Identifiers: ClinVar variation 518953 (VCV000518953.17), dbSNP rs1553602546, ClinGen allele CA349618632.
Genomic context (GRCh38, chr2:178,570,158, plus strand): 5'-TCCCGTTTCTCAAGAACATATCCAAGAATTTCACTACCACCATCAGATGCTGGTCTTTCC[C>T]ATACAACAATCATTGAGTCCTTGGTCACTGTTGTGACTTCTGGAGCTTTTGGTGCATCTG-3'